The following is an entry in ClinVar:

ClinVar aggregate classification (germline): Uncertain significance. Review status: criteria provided, multiple submitters, no conflicts (2 of 4 stars). 3 submissions from 3 submitters: Uncertain significance (3). Last evaluated 2025-09-19.

Conditions:
GJA1-related disorder. Also called: GJA1-related condition.
Inborn genetic diseases. Identifiers: MedGen C0950123, MeSH D030342.
Oculodentodigital dysplasia, autosomal recessive. Also called: OCULODENTOOSSEOUS DYSPLASIA, AUTOSOMAL RECESSIVE; ODDD, AUTOSOMAL RECESSIVE; ODOD, AUTOSOMAL RECESSIVE. Identifiers: Orphanet 2710, MedGen C2749477, MONDO:0009768, OMIM 257850.

Allele frequency attached by ClinVar (database versions not stated): gnomAD 0.00003; TOPMed 0.00005.
gnomAD v4.1: 6 of 1,612,028 alleles (0.00037%); highest among the groups gnomAD compares: Admixed American, 0.0068%; no homozygotes.

Submissions (3):

PreventionGenetics, part of Exact Sciences
Classification: Uncertain significance for GJA1-related condition. Last evaluated: 2025-09-19. Review status: criteria provided, single submitter. Criteria: ACMG Guidelines, 2015. Collection method: clinical testing. Allele origin: germline.
Comment: The GJA1 c.1137C>A variant is predicted to result in the amino acid substitution p.Asp379Glu. To our knowledge, this variant has not been reported in the literature or in a large population database (gnomAD), indicating the variant is rare. At this time, the clinical significance of this variant is uncertain due to the absence of conclusive functional and genetic evidence.

Ambry Genetics
Classification: Uncertain significance for Inborn genetic diseases. Last evaluated: 2025-05-21. Review status: criteria provided, single submitter. Criteria: Ambry Variant Classification Scheme 2023. Collection method: clinical testing. Allele origin: germline.

Labcorp Genetics (formerly Invitae), Labcorp
Classification: Uncertain significance for Oculodentodigital dysplasia, autosomal recessive. Last evaluated: 2025-03-30. Review status: criteria provided, single submitter. Criteria: Invitae Variant Classification Sherloc (09022015). Collection method: clinical testing. Allele origin: germline.
Comment: This sequence change replaces aspartic acid, which is acidic and polar, with glutamic acid, which is acidic and polar, at codon 379 of the GJA1 protein (p.Asp379Glu). This variant is not present in population databases (gnomAD no frequency). This variant has not been reported in the literature in individuals affected with GJA1-related conditions. ClinVar contains an entry for this variant (Variation ID: 2046618). Invitae Evidence Modeling of protein sequence and biophysical properties (such as structural, functional, and spatial information, amino acid conservation, physicochemical variation, residue mobility, and thermodynamic stability) indicates that this missense variant is expected to disrupt GJA1 protein function with a positive predictive value of 95%. In summary, the available evidence is currently insufficient to determine the role of this variant in disease. Therefore, it has been classified as a Variant of Uncertain Significance.

NM_000165.5(GJA1):c.1137C>A (p.Asp379Glu)

Gene: GJA1 (gap junction protein alpha 1; plus strand). Cytogenetic location: 6q22.31.
Variant type: single nucleotide variant.
Coding change: c.1137C>A on transcript NM_000165.5 (MANE Select); coding-DNA position 1137, C replaced by A.
Protein change: p.Asp379Glu; replaces aspartic acid 379 with glutamic acid.
Molecular consequence: missense variant.
Genome position (GRCh38, 1-based): chr6:121,447,984, C>A. VCF-style: chr6-121447984-C-A. GRCh37 (hg19) VCF-style: chr6-121769130-C-A.
Other names: c.1137C>A (NM_000165.3, NM_000165.4); short protein forms D379E.
Identifiers: ClinVar variation 2046618 (VCV002046618.6), dbSNP rs762665963, ClinGen allele CA365561245.